The following is an entry in ClinVar:

ClinVar aggregate classification (germline): Likely pathogenic (1 of 4 stars; one submission).

Conditions:
Propionic acidemia (PROP). Also called: GLYCINEMIA, KETOTIC; HYPERGLYCINEMIA WITH KETOACIDOSIS AND LEUKOPENIA; KETOTIC HYPERGLYCINEMIA. Identifiers: Orphanet 35, MedGen C0268579, MONDO:0011628, OMIM 606054, HP:0003571.

Submissions (4):

Natera, Inc.
Classification: Likely pathogenic for Propionic acidemia. Last evaluated: 2025-03-14. Review status: criteria provided, single submitter. Criteria: Natera Variant Classification Schema (03/2026). Collection method: clinical testing. Allele origin: germline.
Comment: The c.637+2T>C variant in PCCA is a canonical splice donor site variant predicted to affect pre-mRNA splicing, which may result in an abnormal transcript and altered protein product. This variant is expected to result in nonsense mediated decay, truncation, or a dysfunctional protein product. This variant is rare in the general population with a frequency below the threshold expected for the associated phenotype(s). Given the available evidence, this variant is classified as Likely Pathogenic.

Dr. Peter K. Rogan Lab, Western University
No classification provided (evidence only). Condition: Nonpapillary renal cell carcinoma. Review status: no classification provided. Collection method: in vitro. Allele origin: not applicable. Functional consequence: retained intron. Not counted in ClinVar's aggregate classification.

Dr. Peter K. Rogan Lab, Western University
No classification provided (evidence only). Condition: Nonpapillary renal cell carcinoma. Review status: no classification provided. Collection method: in vitro. Allele origin: not applicable. Functional consequence: retained intron. Not counted in ClinVar's aggregate classification.

Dr. Peter K. Rogan Lab, Western University
No classification provided (evidence only). Condition: Nonpapillary renal cell carcinoma. Review status: no classification provided. Collection method: in vitro. Allele origin: not applicable. Functional consequence: skipped exon. Not counted in ClinVar's aggregate classification.

NM_000282.4(PCCA):c.637+2T>C

Gene: PCCA (propionyl-CoA carboxylase subunit alpha; plus strand). Cytogenetic location: 13q32.3.
Variant type: single nucleotide variant.
Coding change: c.637+2T>C on transcript NM_000282.4 (MANE Select); the canonical splice donor site of the intron after coding-DNA position 637, T replaced by C.
Molecular consequence: splice donor variant.
Genome position (GRCh38, 1-based): chr13:100,235,880, T>C. VCF-style: chr13-100235880-T-C. GRCh37 (hg19) VCF-style: chr13-100888134-T-C.
Other names: NC_000013.10:g.100888134T>C; c.637+2T>C (NM_001178004.2, NM_001352605.2, NM_001352606.2 and 1 more transcripts); c.-230+2T>C (NM_001352610.2, NM_001352611.2, NM_001352612.2); c.559+2T>C (NM_001127692.3, NM_001352607.2, NM_001352608.2).
Identifiers: ClinVar variation 4059265 (VCV004059265.3).
Genomic context (GRCh38, chr13:100,235,880, plus strand): 5'-GTCTCATTTCCTGCTTTTACAGGATGCAGAAGAAGCTGTCAGAATTGCAAGGGAAATTGG[T>C]AAGTCCTTAAATTAACTTTGGTAGGATTTCTGTGTCTTTCAGCAGATACGGTTGAGTCAA-3'